The following is an entry in ClinVar:

ClinVar aggregate classification (germline): Uncertain significance (1 of 4 stars; one submission).

Conditions:
Hypertrophic cardiomyopathy. Also called: HYPERTROPHIC MYOCARDIOPATHY. Identifiers: Orphanet 217569, MedGen C0007194, MeSH D002312, MONDO:0005045, HP:0001639.

Submission:

Labcorp Genetics (formerly Invitae), Labcorp
Classification: Uncertain significance for Hypertrophic cardiomyopathy. Last evaluated: 2018-07-17. Review status: criteria provided, single submitter. Criteria: Invitae Variant Classification Sherloc (09022015). Collection method: clinical testing. Allele origin: germline.
Comment: This variant has not been reported in the literature in individuals with MYOM1-related disease. This variant is not present in population databases (ExAC no frequency). This sequence change falls in intron 8 of the MYOM1 gene. It does not directly change the encoded amino acid sequence of the MYOM1 protein, but it affects a nucleotide within the consensus splice site of the intron. Nucleotide substitutions within the consensus splice site are a relatively common cause of aberrant splicing (PMID: 17576681, 9536098). Algorithms developed to predict the effect of sequence changes on RNA splicing suggest that this variant is not likely to affect RNA splicing, but this prediction has not been confirmed by published transcriptional studies. In summary, the available evidence is currently insufficient to determine the role of this variant in disease. Therefore, it has been classified as a Variant of Uncertain Significance.

Literature cited by the submitters: PubMed 17576681; PubMed 9536098.

NM_003803.4(MYOM1):c.1175-3C>T

Gene: MYOM1 (myomesin 1; minus strand). Cytogenetic location: 18p11.31.
Variant type: single nucleotide variant.
Coding change: c.1175-3C>T on transcript NM_003803.4 (MANE Select); 3 bases into the intron before coding-DNA position 1175, C replaced by T.
Molecular consequence: intron variant.
Genome position (GRCh38, 1-based): chr18:3,168,984, G>A on the plus strand (C>T on the coding strand, the complement: MYOM1 is on the minus strand). VCF-style: chr18-3168984-G-A. GRCh37 (hg19) VCF-style: chr18-3168982-G-A.
Other names: c.1175-3C>T (NM_019856.2).
Identifiers: ClinVar variation 646509 (VCV000646509.8), dbSNP rs1598739642, ClinGen allele CA915952268.